The following is an entry in ClinVar:

ClinVar aggregate classification (germline): Conflicting classifications of pathogenicity. Review status: criteria provided, conflicting classifications (1 of 4 stars). 3 submissions from 3 submitters: Likely pathogenic (1); Uncertain significance (2). Last evaluated 2025-05-25.

Conditions:
Congenital insensitivity to pain-hypohidrosis syndrome. Also called: HSAN VIII; Neuropathy, hereditary sensory and autonomic, type VIII. Identifiers: Orphanet 478664, MedGen C4225308, MONDO:0014662, OMIM 616488.

Allele frequency attached by ClinVar (database versions not stated): gnomAD exomes below 0.00001.

Submissions (3):

GeneDx
Classification: Likely pathogenic. Last evaluated: 2025-05-25. Review status: criteria provided, single submitter. Criteria: GeneDx Variant Classification Process June 2021. Collection method: clinical testing. Allele origin: germline. Affected: yes.
Comment: Observed with a second variant on the opposite allele (in trans) in a patient with reduced pain sensitivity, tongue and lip mutilations, and a neurodevelopmental disorder in published literature (PMID: 33884296); In silico analysis supports that this missense variant has a deleterious effect on protein structure/function; Not observed at significant frequency in large population cohorts (gnomAD); This variant is associated with the following publications: (PMID: 33884296, 26005867, 33004732, 37021010)

Mayo Clinic Laboratories, Mayo Clinic
Classification: Uncertain significance. Last evaluated: 2023-12-13. Review status: criteria provided, single submitter. Criteria: ACMG Guidelines, 2015. Collection method: clinical testing. Allele origin: germline. Observed: 1 variant allele.
Comment: PM2_moderate

Labcorp Genetics (formerly Invitae), Labcorp
Classification: Uncertain significance for Congenital insensitivity to pain-hypohidrosis syndrome. Last evaluated: 2022-07-26. Review status: criteria provided, single submitter. Criteria: Invitae Variant Classification Sherloc (09022015). Collection method: clinical testing. Allele origin: germline.
Comment: This sequence change replaces arginine, which is basic and polar, with histidine, which is basic and polar, at codon 168 of the PRDM12 protein (p.Arg168His). This variant is not present in population databases (gnomAD no frequency). This missense change has been observed in individual(s) with clinical features of hereditary sensory and autonomic neuropathy (PMID: 33884296). ClinVar contains an entry for this variant (Variation ID: 955687). Algorithms developed to predict the effect of missense changes on protein structure and function are either unavailable or do not agree on the potential impact of this missense change (SIFT: "Deleterious"; PolyPhen-2: "Probably Damaging"; Align-GVGD: "Class C0"). This variant disrupts the p.Arg168 amino acid residue in PRDM12. Other variant(s) that disrupt this residue have been determined to be pathogenic (PMID: 25891934, 26005867). This suggests that this residue is clinically significant, and that variants that disrupt this residue are likely to be disease-causing. In summary, the available evidence is currently insufficient to determine the role of this variant in disease. Therefore, it has been classified as a Variant of Uncertain Significance.

Literature cited by the submitters: PubMed 33884296 (cited by Mayo Clinic Laboratories, Mayo Clinic and Labcorp Genetics (formerly Invitae), Labcorp); PubMed 25891934 (cited by Labcorp Genetics (formerly Invitae), Labcorp); PubMed 26005867 (cited by Labcorp Genetics (formerly Invitae), Labcorp).

NM_021619.3(PRDM12):c.503G>A (p.Arg168His)

Gene: PRDM12 (PR/SET domain 12; plus strand). Cytogenetic location: 9q34.12.
Variant type: single nucleotide variant.
Coding change: c.503G>A on transcript NM_021619.3 (MANE Select); coding-DNA position 503, G replaced by A.
Protein change: p.Arg168His; replaces arginine 168 with histidine.
Molecular consequence: missense variant.
Genome position (GRCh38, 1-based): chr9:130,668,246, G>A. VCF-style: chr9-130668246-G-A. GRCh37 (hg19) VCF-style: chr9-133543633-G-A.
Other names: p.Arg168His; short protein forms R168H.
Identifiers: ClinVar variation 955687 (VCV000955687.7), dbSNP rs1049529374, ClinGen allele CA200650105.
Genomic context (GRCh38, chr9:130,668,246, plus strand): 5'-ACTTCATCGATGCCAGCCAGGAGGACCACCGGAGCTGGATGACCTACATCAAGTGTGCAC[G>A]TAACGAACAGGAGCAGAACCTGGAGGTGGTCCAGATCGGCACCAGCATCTTCTACAAGGC-3'
Protein context (NP_067632.2, residues 158-178): RSWMTYIKCA[Arg168His]NEQEQNLEVV